The following is an entry in ClinVar:

NM_018089.3(ANKZF1):c.148+6_148+17del

Gene: ANKZF1 (ankyrin repeat and zinc finger peptidyl tRNA hydrolase 1; plus strand). Cytogenetic location: 2q35.
Variant type: Deletion.
Coding change: c.148+6_148+17del on transcript NM_018089.3 (MANE Select); bases 6 to 17 of the intron after coding-DNA position 148, 12 bases deleted (CTGGAAGGTTTC).
Molecular consequence: intron variant.
Genome position (GRCh38, 1-based): chr2:219,230,411-219,230,422, CTGGAAGGTTTC deleted; deleting any 12 consecutive bases within chr2:219,230,409-219,230,422 gives the same sequence; the c. name uses the placement nearest the transcript's 3' end. VCF-style (leftmost placement, unchanged base first): chr2-219230408-ATCCTGGAAGGTT-A. GRCh37 (hg19) VCF-style: chr2-220095130-ATCCTGGAAGGTT-A.
Other names: c.148+6_148+17del (NM_001042410.2); c.-267+511_-267+522del (NM_001282792.2).
Identifiers: ClinVar variation 3005653 (VCV003005653.3), dbSNP rs761452254, ClinGen allele CA2120613.

ClinVar aggregate classification (germline): Uncertain significance (1 of 4 stars; one submission).

Submission:

Labcorp Genetics (formerly Invitae), Labcorp
Classification: Uncertain significance. Last evaluated: 2023-03-18. Review status: criteria provided, single submitter. Criteria: Invitae Variant Classification Sherloc (09022015). Collection method: clinical testing. Allele origin: germline.
Comment: This sequence change falls in intron 2 of the ANKZF1 gene. It does not directly change the encoded amino acid sequence of the ANKZF1 protein. It affects a nucleotide within the consensus splice site. This variant is present in population databases (rs761452254, gnomAD 0.003%). This variant has not been reported in the literature in individuals affected with ANKZF1-related conditions. Variants that disrupt the consensus splice site are a relatively common cause of aberrant splicing (PMID: 17576681, 9536098). Algorithms developed to predict the effect of sequence changes on RNA splicing suggest that this variant is not likely to affect RNA splicing. In summary, the available evidence is currently insufficient to determine the role of this variant in disease. Therefore, it has been classified as a Variant of Uncertain Significance.

Literature cited by the submitters: PubMed 17576681; PubMed 9536098.